The following is an entry in ClinVar:

NM_001374736.1(DST):c.18094GAG[1] (p.Glu6033del)

Gene: DST (dystonin; minus strand). Cytogenetic location: 6p12.1.
Variant type: Microsatellite.
Coding change: c.18094GAG[1] on transcript NM_001374736.1 (MANE Select); one copy of the 3-base unit GAG starting at c.18094; the reference has two copies in a row; one copy, 3 bases deleted.
Protein change: p.Glu6033del; deletes glutamic acid 6033.
Molecular consequence: inframe deletion.
Genome position (GRCh38, 1-based): chr6:56,526,391-56,526,393, CTC deleted on the plus strand (GAG on the coding strand, the reverse complement: DST is on the minus strand); deleting any 3 consecutive bases within chr6:56,526,391-56,526,397 gives the same sequence; the position shown is the placement nearest the transcript's 3' end. VCF-style (leftmost placement, unchanged base first): chr6-56526390-TCTC-T. GRCh37 (hg19) VCF-style: chr6-56391188-TCTC-T.
Other names: c.11737GAG[1], p.Glu3914del (NM_001144769.5); c.11323GAG[1], p.Glu3776del (NM_001144770.2); c.18094GAG[1], p.Glu6033del (NM_001374722.1); c.17134GAG[1], p.Glu5713del (NM_001374729.1); c.10876GAG[1], p.Glu3627del (NM_001374730.1); c.18121GAG[1], p.Glu6042del (NM_001374734.1); c.11203GAG[1], p.Glu3736del (NM_001386100.1, NM_183380.4); c.10225GAG[1], p.Glu3410del (NM_015548.5); short protein forms E3410del, E3627del, E3736del, E3776del, E3914del, E5713del, E6033del, E6042del.
Identifiers: ClinVar variation 1703969 (VCV001703969.2), dbSNP rs2534759323, ClinGen allele CA2580617265.

ClinVar aggregate classification (germline): Uncertain significance (1 of 4 stars; one submission).

Submission:

GeneDx
Classification: Uncertain significance. Last evaluated: 2022-03-04. Review status: criteria provided, single submitter. Criteria: GeneDx Variant Classification Process June 2021. Collection method: clinical testing. Allele origin: germline. Affected: yes.
Comment: Not observed at significant frequency in large population cohorts (gnomAD); In-frame deletion of one amino acid in a non-repeat region; In silico analysis supports a deleterious effect on protein structure/function; Has not been previously published as pathogenic or benign to our knowledge